The following is an entry in ClinVar:

NM_000443.4(ABCB4):c.2165G>C (p.Gly722Ala)

Gene: ABCB4 (ATP binding cassette subfamily B member 4; minus strand). Cytogenetic location: 7q21.12.
Variant type: single nucleotide variant.
Coding change: c.2165G>C on transcript NM_000443.4 (MANE Select); coding-DNA position 2165, G replaced by C.
Protein change: p.Gly722Ala; replaces glycine 722 with alanine.
Molecular consequence: missense variant.
Genome position (GRCh38, 1-based): chr7:87,423,952, C>G on the plus strand (G>C on the coding strand, the complement: ABCB4 is on the minus strand). VCF-style: chr7-87423952-C-G. GRCh37 (hg19) VCF-style: chr7-87053268-C-G.
Other names: c.2165G>C, p.Gly722Ala (NM_018849.3, NM_018850.3); c.2165G>C (NM_000443.3); short protein forms G722A.
Identifiers: ClinVar variation 288449 (VCV000288449.38), dbSNP rs779885518, ClinGen allele CA4327109.

ClinVar aggregate classification (germline): Conflicting classifications of pathogenicity. Review status: criteria provided, conflicting classifications (1 of 4 stars). 7 submissions from 7 submitters: Likely pathogenic (1); Uncertain significance (5). 1 of the submissions does not count toward it. Last evaluated 2026-05-21.

Conditions:
ABCB4-related disorder. Also called: ABCB4-related disorders; ABCB4-related condition.
Familial intrahepatic cholestasis. Identifiers: Orphanet 284385, MedGen CN296401, MONDO:0017290.
Low phospholipid associated cholelithiasis (GBD1). Also called: Gallstone cholecystitis; Gallbladder disease 1. Identifiers: Orphanet 69663, MedGen C2609268, MONDO:0010939, OMIM 600803.

Allele frequency attached by ClinVar (database versions not stated): ExAC 0.00001; gnomAD 0.00001; TOPMed 0.00001; gnomAD exomes 0.00002.
gnomAD v4.1: 10 of 1,613,974 alleles (0.00062%); highest among the groups gnomAD compares: Non-Finnish European, 0.00085%; no homozygotes.

Submissions (7):

Institute of Human Genetics, University of Leipzig Medical Center
Classification: Uncertain significance for Low phospholipid associated cholelithiasis. Last evaluated: 2026-05-21. Review status: criteria provided, single submitter. Criteria: ACMG Guidelines, 2015. Collection method: clinical testing. Allele origin: unknown. Inheritance: Autosomal dominant inheritance. Affected: yes.
Comment: Criteria applied: PS4_SUP,PM2_SUP,PP2,PP3,PP4

Genomenon, Inc
Classification: Likely pathogenic for Familial intrahepatic cholestasis. Last evaluated: 2026-04-14. Review status: criteria provided, single submitter. Criteria: Genomenon Sequence Variant Interpretation Standards - Updated. Collection method: curation. Allele origin: germline. Affected: yes.
Comment: ABCB4 p.Gly722Ala (c.2165G>C) is a missense variant that changes the amino acid at residue 722 from Glycine to Alanine. This variant has been observed in at least one proband with an ABCB4-related disorder (PMID:28988337;31538484;29761167;28924228). The variant was found to segregate with disease in at least one affected family (PMID:29761167). It is absent or not present at a significant frequency in gnomAD. In silico models predict that this variant is possibly or probably damaging. In conclusion, we classify ABCB4 p.Gly722Ala (c.2165G>C) as a likely pathogenic variant.

Women's Health and Genetics/Laboratory Corporation of America, LabCorp
Classification: Uncertain significance. Last evaluated: 2025-04-10. Review status: criteria provided, single submitter. Criteria: LabCorp Variant Classification Summary - May 2015. Collection method: clinical testing. Allele origin: germline.
Comment: Variant summary: ABCB4 c.2165G>C (p.Gly722Ala) results in a non-conservative amino acid change in the encoded protein sequence. Five of five in-silico tools predict a damaging effect of the variant on protein function. The variant allele was found at a frequency of 1.6e-05 in 251164 control chromosomes (gnomAD). c.2165G>C has been observed in individuals affected with Familial Intrahepatic Cholestasis or Intrahepatic cholestasis of pregnancy (Dixon_2017, Schatz_2018, Huynh_2019). These data indicate that the variant is likely to be associated with disease. To our knowledge, no experimental evidence demonstrating an impact on protein function has been reported. The following publications have been ascertained in the context of this evaluation (PMID: 28924228, 31538484, 29761167). ClinVar contains an entry for this variant (Variation ID: 288449). Based on the evidence outlined above, the variant was classified as VUS-possibly pathogenic.

CeGaT Center for Human Genetics Tuebingen
Classification: Uncertain significance. Last evaluated: 2023-12-01. Review status: criteria provided, single submitter. Criteria: CeGaT Center For Human Genetics Tuebingen Variant Classification Criteria Version 2. Collection method: clinical testing. Allele origin: germline. Affected: yes. Observed: 2 variant alleles.
Comment: ABCB4: PM2, PM3

Revvity Omics, Revvity
Classification: Uncertain significance. Last evaluated: 2019-06-27. Review status: criteria provided, single submitter. Criteria: ACMG Guidelines, 2015. Collection method: clinical testing. Allele origin: germline.

Eurofins Ntd Llc (ga)
Classification: Uncertain significance. Last evaluated: 2016-05-31. Review status: criteria provided, single submitter. Criteria: EGL Classification Definitions 2015. Collection method: clinical testing. Allele origin: germline. Observed: 1 variant allele, 1 heterozygote.

PreventionGenetics, part of Exact Sciences
Classification: Likely pathogenic for ABCB4-related condition. Last evaluated: 2024-01-17. Review status: no assertion criteria provided. Collection method: clinical testing. Allele origin: germline. Not counted in ClinVar's aggregate classification.
Comment: The ABCB4 c.2165G>C variant is predicted to result in the amino acid substitution p.Gly722Ala. This variant has been reported in the heterozygous or compound heterozygous state in individuals with intrahepatic cholestasis of pregnancy (Patient 9 in Table 1, Dixon et al. 2017. PubMed ID: 28924228; Case 4 in Table 2, Huynh et al. 2019. PubMed ID: 31538484). This variant has also been reported in the compound heterozygous state in two siblings and an unrelated individual with progressive familial intrahepatic cholestasis type 3 (Patients 2, 30, and 31 in Tables 2 and 3, Schatz et al. 2018. PubMed ID: 29761167). This variant is reported in 0.0035% of alleles in individuals of European (Non-Finnish) descent in gnomAD. This variant is interpreted as likely pathogenic.

Literature cited by the submitters: PubMed 28988337 (cited by Genomenon, Inc); PubMed 31538484 (cited by Genomenon, Inc and Women's Health and Genetics/Laboratory Corporation of America, LabCorp); PubMed 29761167 (cited by Genomenon, Inc and Women's Health and Genetics/Laboratory Corporation of America, LabCorp); PubMed 28924228 (cited by Genomenon, Inc and Women's Health and Genetics/Laboratory Corporation of America, LabCorp).